The following is an entry in ClinVar:

ClinVar aggregate classification (germline): Uncertain significance (1 of 4 stars; one submission).

Submission:

Kariminejad - Najmabadi Pathology & Genetics Center
Classification: Uncertain significance. Last evaluated: 2024-02-29. Review status: criteria provided, single submitter. Criteria: ACMG Guidelines, 2015. Collection method: clinical testing. Allele origin: germline. Inheritance: Autosomal dominant inheritance. Affected: yes.
Comment: PM2

NM_006158.5(NEFL):c.1313C>G (p.Ser438Cys)

Gene: NEFL (neurofilament light chain; minus strand). Cytogenetic location: 8p21.2.
Variant type: single nucleotide variant.
Coding change: c.1313C>G on transcript NM_006158.5 (MANE Select); coding-DNA position 1313, C replaced by G.
Protein change: p.Ser438Cys; replaces serine 438 with cysteine.
Molecular consequence: missense variant.
Genome position (GRCh38, 1-based): chr8:24,953,652, G>C on the plus strand (C>G on the coding strand, the complement: NEFL is on the minus strand). VCF-style: chr8-24953652-G-C. GRCh37 (hg19) VCF-style: chr8-24811166-G-C.
Other names: short protein forms S438C.
Identifiers: ClinVar variation 3896936 (VCV003896936.1).
Genomic context (GRCh38, chr8:24,953,652, plus strand): 5'-ATGGTTTCCTCCACTTCGATCTGCTCCTCTTGGACATGGCTGGTGTAGTAGGACGGGAAG[G>C]AGCGGGTGGACATCAGATAGGAGCTGGTCTGTAAACCGCCGTAGGCAGATCGGCCAAAGA-3'
Protein context (NP_006149.2, residues 428-448): QTSSYLMSTR[Ser438Cys]FPSYYTSHVQ